The following is an entry in ClinVar:

NM_014043.4(CHMP2B):c.341del (p.Lys114fs)

Gene: CHMP2B (charged multivesicular body protein 2B; plus strand). Cytogenetic location: 3p11.2.
Variant type: Deletion.
Coding change: c.341del on transcript NM_014043.4 (MANE Select); coding-DNA position 341, one base deleted (A; older notation c.341delA).
Protein change: p.Lys114fs; shifts the reading frame from lysine 114.
Molecular consequence: frameshift variant.
Genome position (GRCh38, 1-based): chr3:87,249,894, A deleted; the last of 2 consecutive A bases (chr3:87,249,893-87,249,894); deleting either gives the same sequence. VCF-style (leftmost placement, unchanged base first): chr3-87249892-CA-C. GRCh37 (hg19) VCF-style: chr3-87299042-CA-C.
Other names: c.218del, p.Lys73fs (NM_001244644.2); c.437del, p.Lys146fs (NM_001410777.1); short protein forms K114fs, K146fs, K73fs.
Identifiers: ClinVar variation 3901756 (VCV003901756.1).

ClinVar aggregate classification (germline): Uncertain significance (1 of 4 stars; one submission).

Submission:

GeneDx
Classification: Uncertain significance. Last evaluated: 2024-12-05. Review status: criteria provided, single submitter. Criteria: GeneDx Variant Classification Process June 2021. Collection method: clinical testing. Allele origin: germline. Affected: yes.
Comment: Not observed at significant frequency in large population cohorts (gnomAD); Frameshift variant predicted to result in protein truncation or nonsense mediated decay in a gene or region of a gene for which loss of function is not a well-established mechanism of disease; Has not been previously published as pathogenic or benign to our knowledge